The following is an entry in ClinVar:

NM_007259.5(VPS45):c.688-18del

Gene: VPS45 (vacuolar protein sorting 45 homolog; plus strand). Cytogenetic location: 1q21.2.
Variant type: Deletion.
Coding change: c.688-18del on transcript NM_007259.5 (MANE Select); 18 bases into the intron before coding-DNA position 688, one base deleted (T; older notation c.688-18delT).
Molecular consequence: intron variant.
Genome position (GRCh38, 1-based): chr1:150,081,324, T deleted; the last of 9 consecutive T bases (chr1:150,081,316-150,081,324); deleting any one gives the same sequence. VCF-style (leftmost placement, unchanged base first): chr1-150081315-CT-C. GRCh37 (hg19) VCF-style: chr1-150053397-CT-C.
Other names: c.373-18del (NM_001279353.2); c.580-18del (NM_001279354.2); c.688-18delT (NM_007259.5).
Identifiers: ClinVar variation 4689020 (VCV004689020.1).

ClinVar aggregate classification (germline): Benign (1 of 4 stars; one submission).

Submission:

Women's Health and Genetics/Laboratory Corporation of America, LabCorp
Classification: Benign. Last evaluated: 2026-01-29. Review status: criteria provided, single submitter. Criteria: LabCorp Variant Classification Summary - May 2015. Collection method: clinical testing. Allele origin: germline.
Comment: Variant summary: VPS45 c.688-18delT alters a nucleotide located at a position not widely known to affect splicing. Consensus agreement among computation tools predict no significant impact on normal splicing. However, these predictions have yet to be confirmed by functional studies. The variant allele was found at a frequency of 0.021 in 165460 control chromosomes in the gnomAD database, including 43 homozygotes. The observed variant frequency exceeds the estimated maximal expected allele frequency for disease-causing variants in VPS45. To our knowledge, no occurrence of c.688-18delT in individuals affected with VPS45-related conditions and no experimental evidence demonstrating its impact on protein function have been reported. No submitters have cited clinical-significance assessments for this variant to ClinVar. Based on the evidence outlined above, the variant was classified as benign.